The following is an entry in ClinVar:

ClinVar aggregate classification (germline): Uncertain significance (1 of 4 stars; one submission).

Allele frequency attached by ClinVar (database versions not stated): TOPMed 0.00001.
gnomAD v4.1: 2 of 1,551,098 alleles (0.00013%); highest among the groups gnomAD compares: Admixed American, 0.0039%; no homozygotes.

Submission:

Labcorp Genetics (formerly Invitae), Labcorp
Classification: Uncertain significance. Last evaluated: 2020-10-14. Review status: criteria provided, single submitter. Criteria: Invitae Variant Classification Sherloc (09022015). Collection method: clinical testing. Allele origin: germline.
Comment: This variant has not been reported in the literature in individuals with CDHR1-related conditions. This sequence change replaces valine with phenylalanine at codon 144 of the CDHR1 protein (p.Val144Phe). The valine residue is highly conserved and there is a small physicochemical difference between valine and phenylalanine. This variant is not present in population databases (ExAC no frequency). Algorithms developed to predict the effect of missense changes on protein structure and function are either unavailable or do not agree on the potential impact of this missense change (SIFT: "Deleterious"; PolyPhen-2: "Probably Damaging"; Align-GVGD: "Class C0"). In summary, the available evidence is currently insufficient to determine the role of this variant in disease. Therefore, it has been classified as a Variant of Uncertain Significance.

NM_033100.4(CDHR1):c.430G>T (p.Val144Phe)

Gene: CDHR1 (cadherin related family member 1; plus strand). Cytogenetic location: 10q23.1.
Variant type: single nucleotide variant.
Coding change: c.430G>T on transcript NM_033100.4 (MANE Select); coding-DNA position 430, G replaced by T.
Protein change: p.Val144Phe; replaces valine 144 with phenylalanine.
Molecular consequence: missense variant.
Genome position (GRCh38, 1-based): chr10:84,199,113, G>T. VCF-style: chr10-84199113-G-T. GRCh37 (hg19) VCF-style: chr10-85958869-G-T.
Other names: c.430G>T, p.Val144Phe (NM_001171971.3); short protein forms V144F.
Identifiers: ClinVar variation 1494807 (VCV001494807.8), dbSNP rs1228647950, ClinGen allele CA377371114.
Genomic context (GRCh38, chr10:84,199,113, plus strand): 5'-CTGGTGACCGATGCCAATGATGAGGCGCCCAGGTTCATCCAGGAGCCTTATGTTGCCCTG[G>T]TTCCCGAGGTAAGTGAGGAGCTGCTAGAGGGGCTGATTTTCCCACCCAGGCCCATAGCCT-3'
Protein context (NP_149091.1, residues 134-154): RFIQEPYVAL[Val144Phe]PEDIPAGSII